The following is an entry in ClinVar:

ClinVar aggregate classification (germline): Uncertain significance (1 of 4 stars; one submission).

Submission:

GeneDx
Classification: Uncertain significance. Last evaluated: 2023-04-06. Review status: criteria provided, single submitter. Criteria: GeneDx Variant Classification Process June 2021. Collection method: clinical testing. Allele origin: germline. Affected: yes.
Comment: Not observed at significant frequency in large population cohorts (gnomAD); In silico analysis supports that this missense variant has a deleterious effect on protein structure/function; Has not been previously published as pathogenic or benign to our knowledge

NM_004522.3(KIF5C):c.487G>C (p.Val163Leu)

Gene: KIF5C (kinesin family member 5C; plus strand). Cytogenetic location: 2q23.1.
Variant type: single nucleotide variant.
Coding change: c.487G>C on transcript NM_004522.3 (MANE Select); coding-DNA position 487, G replaced by C.
Protein change: p.Val163Leu; replaces valine 163 with leucine.
Molecular consequence: missense variant.
Genome position (GRCh38, 1-based): chr2:148,941,976, G>C. VCF-style: chr2-148941976-G-C. GRCh37 (hg19) VCF-style: chr2-149798490-G-C.
Other names: short protein forms V163L.
Identifiers: ClinVar variation 2662092 (VCV002662092.1), dbSNP rs1574771539, ClinGen allele CA348730153.
Genomic context (GRCh38, chr2:148,941,976, plus strand): 5'-GTCATTCTCATCTTTTTAGTATCCAAGACCAACTTGGCTGTTCATGAAGATAAAAACAGA[G>C]TCCCGTATGTAAAGGTATGAGGAAGATTTGATTGGTGATGCAATTAATTTCTCTCCAGTC-3'
Protein context (NP_004513.1, residues 153-173): NLAVHEDKNR[Val163Leu]PYVKGCTERF